The following is an entry in ClinVar:

NM_001364905.1(LRBA):c.6141C>T (p.Gly2047=)

Gene: LRBA (LPS responsive beige-like anchor protein; minus strand). Cytogenetic location: 4q31.3.
Variant type: single nucleotide variant.
Coding change: c.6141C>T on transcript NM_001364905.1 (MANE Select); coding-DNA position 6141, C replaced by T.
Protein change: p.Gly2047=; no amino-acid change (glycine 2047 retained).
Molecular consequence: synonymous variant.
Genome position (GRCh38, 1-based): chr4:150,590,765, G>A on the plus strand (C>T on the coding strand, the complement: LRBA is on the minus strand). VCF-style: chr4-150590765-G-A. GRCh37 (hg19) VCF-style: chr4-151511917-G-A.
Other names: NC_000004.11:g.151511917G>A; c.6141C>T, p.Gly2047= (NM_001199282.3, NM_001367550.1, NM_001440431.1); c.6174C>T, p.Gly2058= (NM_001440430.1, NM_006726.5).
Identifiers: ClinVar variation 4302887 (VCV004302887.2).

ClinVar aggregate classification (germline): Uncertain significance (1 of 4 stars; one submission).

Conditions:
Combined immunodeficiency due to LRBA deficiency. Also called: Common variable immunodeficiency 8, with autoimmunity. Identifiers: Orphanet 445018, MedGen C3553512, MONDO:0013863, OMIM 614700.

gnomAD v4.1: 8 of 1,613,748 alleles (0.0005%); highest among the groups gnomAD compares: South Asian, 0.0033%; no homozygotes.

Submissions (3):

Labcorp Genetics (formerly Invitae), Labcorp
Classification: Uncertain significance for Combined immunodeficiency due to LRBA deficiency. Last evaluated: 2026-01-12. Review status: criteria provided, single submitter. Criteria: Invitae Variant Classification Sherloc (09022015). Collection method: clinical testing. Allele origin: germline.
Comment: This sequence change affects codon 2058 of the LRBA mRNA. It is a 'silent' change, meaning that it does not change the encoded amino acid sequence of the LRBA protein. This variant is present in population databases (no rsID available, gnomAD 0.003%). This variant has not been reported in the literature in individuals affected with LRBA-related conditions. Algorithms developed to predict the effect of sequence changes on RNA splicing suggest that this variant may create or strengthen a splice site. In summary, the available evidence is currently insufficient to determine the role of this variant in disease. Therefore, it has been classified as a Variant of Uncertain Significance.

Dr. Peter K. Rogan Lab, Western University
No classification provided (evidence only). Condition: Pancreatic adenocarcinoma. Review status: no classification provided. Collection method: in vitro. Allele origin: not applicable. Functional consequence: retained intron. Not counted in ClinVar's aggregate classification.

Dr. Peter K. Rogan Lab, Western University
No classification provided (evidence only). Condition: Gastric cancer. Review status: no classification provided. Collection method: in vitro. Allele origin: not applicable. Functional consequence: retained intron. Not counted in ClinVar's aggregate classification.